The following is an entry in ClinVar:

NM_024996.7(GFM1):c.367+223C>T

Gene: GFM1 (G elongation factor mitochondrial 1; plus strand). Cytogenetic location: 3q25.32.
Variant type: single nucleotide variant.
Coding change: c.367+223C>T on transcript NM_024996.7 (MANE Select); 223 bases into the intron after coding-DNA position 367, C replaced by T.
Molecular consequence: intron variant.
Genome position (GRCh38, 1-based): chr3:158,646,520, C>T. VCF-style: chr3-158646520-C-T. GRCh37 (hg19) VCF-style: chr3-158364309-C-T.
Other names: c.367+223C>T (NM_001308164.2, NM_001374355.1, NM_001374356.1 and 1 more transcripts); c.142+223C>T (NM_001374357.1); c.5+739C>T (NM_001374359.1, NM_001374360.1, NM_001374361.1); c.234+739C>T (NM_001374358.1).
Identifiers: ClinVar variation 684007 (VCV000684007.1), dbSNP rs2303910, ClinGen allele CA86496285.

ClinVar aggregate classification (germline): Benign (1 of 4 stars; one submission).

Allele frequency attached by ClinVar (database versions not stated): gnomAD 0.12733; TOPMed 0.13555; 1000 Genomes Project 0.17292; 1000 Genomes Project 30x 0.17317.
gnomAD v4.1: 20,462 of 152,164 alleles (13%); highest among the groups gnomAD compares: East Asian, 43%; 1,892 homozygotes.

Submission:

GeneDx
Classification: Benign. Last evaluated: 2018-06-14. Review status: criteria provided, single submitter. Criteria: GeneDx Variant Classification (06012015). Collection method: clinical testing. Allele origin: germline. Affected: yes.
Comment: This variant is considered likely benign or benign based on one or more of the following criteria: it is a conservative change, it occurs at a poorly conserved position in the protein, it is predicted to be benign by multiple in silico algorithms, and/or has population frequency not consistent with disease.